The following is an entry in ClinVar:

ClinVar aggregate classification (germline): Uncertain significance. Review status: criteria provided, multiple submitters, no conflicts (2 of 4 stars). 6 submissions from 6 submitters: Uncertain significance (4). 2 of the submissions do not count toward it. Last evaluated 2026-05-28.

Conditions:
JUP-related disorder. Also called: JUP-related condition.
Cardiovascular phenotype. Identifiers: MedGen CN230736.
Arrhythmogenic right ventricular dysplasia 12. Also called: ARRHYTHMOGENIC RIGHT VENTRICULAR DYSPLASIA, FAMILIAL, 12. Identifiers: MedGen C1969081, MONDO:0012684, OMIM 611528.
Naxos disease (NXD). Also called: KERATOSIS PALMOPLANTARIS WITH ARRHYTHMOGENIC CARDIOMYOPATHY; MAL DE NAXOS; PALMOPLANTAR KERATODERMA WITH ARRHYTHMOGENIC RIGHT VENTRICULAR CARDIOMYOPATHY AND WOOLLY HAIR; CARDIOMYOPATHY, ARRHYTHMOGENIC RIGHT VENTRICULAR, WITH SKIN, HAIR, AND NAIL ABNORMALITIES; WOOLLY HAIR, PALMOPLANTAR KERATODERMA, AND CARDIAC ABNORMALITIES. Identifiers: Orphanet 34217, MedGen C1832600, MONDO:0011017, OMIM 601214.

Allele frequency attached by ClinVar (database versions not stated): gnomAD 0.00001; gnomAD exomes 0.00001; TOPMed 0.00001; ExAC 0.00002.
gnomAD v4.1: 12 of 1,612,060 alleles (0.00074%); highest among the groups gnomAD compares: Admixed American, 0.0033%; no homozygotes.

Submissions (6):

PreventionGenetics, part of Exact Sciences
Classification: Uncertain significance for JUP-related condition. Last evaluated: 2026-05-28. Review status: criteria provided, single submitter. Criteria: ACMG Guidelines, 2015. Collection method: clinical testing. Allele origin: germline.
Comment: The JUP c.1667T>C variant is predicted to result in the amino acid substitution p.Met556Thr. This variant has been reported as a variant of uncertain significance in an individual with dilated cardiomyopathy (Tables S3 and S6, Stroeks et al. 2023. PubMed ID: 37198425). This variant is reported in 0.0018% of alleles in individuals of European (Non-Finnish) descent in gnomAD. At this time, the clinical significance of this variant is uncertain due to the absence of conclusive functional and genetic evidence.

Labcorp Genetics (formerly Invitae), Labcorp
Classification: Uncertain significance for Arrhythmogenic right ventricular dysplasia 12; Naxos disease. Last evaluated: 2025-12-21. Review status: criteria provided, single submitter. Criteria: Invitae Variant Classification Sherloc (09022015). Collection method: clinical testing. Allele origin: germline.
Comment: This sequence change replaces methionine, which is neutral and non-polar, with threonine, which is neutral and polar, at codon 556 of the JUP protein (p.Met556Thr). This variant is present in population databases (rs781884735, gnomAD 0.002%). This missense change has been observed in individual(s) with dilated cardiomyopathy (PMID: 37198425). ClinVar contains an entry for this variant (Variation ID: 239104). An algorithm developed to predict the effect of missense changes on protein structure and function (PolyPhen-2) suggests that this variant is likely to be disruptive. In summary, the available evidence is currently insufficient to determine the role of this variant in disease. Therefore, it has been classified as a Variant of Uncertain Significance.

Ambry Genetics
Classification: Uncertain significance for Cardiovascular phenotype. Last evaluated: 2025-11-08. Review status: criteria provided, single submitter. Criteria: Ambry Variant Classification Scheme 2023. Collection method: clinical testing. Allele origin: germline.
Comment: The c.1667T>C (p.M556T) alteration is located in exon 10 (coding exon 9) of the JUP gene. This alteration results from a T to C substitution at nucleotide position 1667, causing the methionine (M) at amino acid position 556 to be replaced by a threonine (T). Based on data from gnomAD, the C allele has an overall frequency of 0.001% (3/250434) total alleles studied. The highest observed frequency was 0.016% (1/6092) of Other alleles. Based on insufficient or conflicting evidence, the clinical significance of this alteration remains unclear.

GeneDx
Classification: Uncertain significance. Last evaluated: 2024-07-25. Review status: criteria provided, single submitter. Criteria: GeneDx Variant Classification Process June 2021. Collection method: clinical testing. Allele origin: germline. Affected: yes.
Comment: Has not been previously published as pathogenic or benign to our knowledge; Not observed at significant frequency in large population cohorts (gnomAD); In silico analysis supports that this missense variant has a deleterious effect on protein structure/function

Genome Diagnostics Laboratory, University Medical Center Utrecht
Classification: Uncertain significance. Review status: no assertion criteria provided. Collection method: clinical testing. Allele origin: germline. Affected: yes. Study: VKGL Data-share Consensus. Not counted in ClinVar's aggregate classification.

Joint Genome Diagnostic Labs from Nijmegen and Maastricht, Radboudumc and MUMC+
Classification: Uncertain significance. Review status: no assertion criteria provided. Collection method: clinical testing. Allele origin: germline. Affected: yes. Study: VKGL Data-share Consensus. Not counted in ClinVar's aggregate classification.

Literature cited by the submitters: PubMed 37198425 (cited by Labcorp Genetics (formerly Invitae), Labcorp).

NM_002230.4(JUP):c.1667T>C (p.Met556Thr)

Gene: JUP (junction plakoglobin; minus strand). Cytogenetic location: 17q21.2.
Variant type: single nucleotide variant.
Coding change: c.1667T>C on transcript NM_002230.4 (MANE Select); coding-DNA position 1667, T replaced by C.
Protein change: p.Met556Thr; replaces methionine 556 with threonine.
Molecular consequence: missense variant.
Genome position (GRCh38, 1-based): chr17:41,758,505, A>G on the plus strand (T>C on the coding strand, the complement: JUP is on the minus strand). VCF-style: chr17-41758505-A-G. GRCh37 (hg19) VCF-style: chr17-39914757-A-G.
Other names: c.1667T>C (NM_021991.2); c.1667T>C, p.Met556Thr (NM_001352773.2, NM_001352774.2, NM_001352775.2 and 3 more transcripts); short protein forms M556T.
Identifiers: ClinVar variation 239104 (VCV000239104.19), dbSNP rs781884735, ClinGen allele CA8565152.
Genomic context (GRCh38, chr17:41,758,505, plus strand): 5'-TTCATGGGGTCCCGGGCGAGGATGTGCAGTGCTCCGGTGCAGCCCTCCACAATCTCCTCC[A>G]TCCTCACACCATCCTGTGTGAGAGGAGGCAGGGGGCATGGGACAGGTGCCTTGGACATGG-3'
Protein context (NP_002221.1, residues 546-566): TQQPYTDGVR[Met556Thr]EEIVEGCTGA